The following is an entry in ClinVar:

NM_001166108.2(PALLD):c.1261G>T (p.Val421Phe)

Gene: PALLD (palladin, cytoskeletal associated protein; plus strand). Cytogenetic location: 4q32.3.
Variant type: single nucleotide variant.
Coding change: c.1261G>T on transcript NM_001166108.2 (MANE Select); coding-DNA position 1261, G replaced by T.
Protein change: p.Val421Phe; replaces valine 421 with phenylalanine.
Molecular consequence: missense variant.
Genome position (GRCh38, 1-based): chr4:168,685,485, G>T. VCF-style: chr4-168685485-G-T. GRCh37 (hg19) VCF-style: chr4-169606636-G-T.
Other names: c.115G>T, p.Val39Phe (NM_001166109.2); c.1261G>T, p.Val421Phe (NM_016081.4); short protein forms V421F, V39F.
Identifiers: ClinVar variation 1763345 (VCV001763345.3), dbSNP rs2531609698, ClinGen allele CA358794379.

ClinVar aggregate classification (germline): Uncertain significance (1 of 4 stars; one submission).

gnomAD v4.1: 1 of 1,604,538 alleles (0.000062%); highest among the groups gnomAD compares: Non-Finnish European, 0.000085%; no homozygotes.

Submission:

Ambry Genetics
Classification: Uncertain significance. Last evaluated: 2024-07-21. Review status: criteria provided, single submitter. Criteria: Ambry Variant Classification Scheme 2023. Collection method: clinical testing. Allele origin: germline.
Comment: The p.V421F variant (also known as c.1261G>T) is located in coding exon 5 of the PALLD gene. The valine at codon 421 is replaced by phenylalanine, an amino acid with highly similar properties. This change occurs in the first base pair of coding exon 5. This amino acid position is conserved. In addition, the in silico prediction for this alteration is inconclusive. Since supporting evidence is limited at this time, the clinical significance of this alteration remains unclear.